The following is an entry in ClinVar:

NM_003482.4(KMT2D):c.11903A>G (p.Gln3968Arg)

Gene: KMT2D (lysine methyltransferase 2D; minus strand). Cytogenetic location: 12q13.12.
Variant type: single nucleotide variant.
Coding change: c.11903A>G on transcript NM_003482.4 (MANE Select); coding-DNA position 11903, A replaced by G.
Protein change: p.Gln3968Arg; replaces glutamine 3968 with arginine.
Molecular consequence: missense variant.
Genome position (GRCh38, 1-based): chr12:49,032,802, T>C on the plus strand (A>G on the coding strand, the complement: KMT2D is on the minus strand). VCF-style: chr12-49032802-T-C. GRCh37 (hg19) VCF-style: chr12-49426585-T-C.
Other names: short protein forms Q3968R.
Identifiers: ClinVar variation 2764255 (VCV002764255.3), dbSNP rs2498359982, ClinGen allele CA384714233.

ClinVar aggregate classification (germline): Uncertain significance (1 of 4 stars; one submission).

Conditions:
Kabuki syndrome. Also called: NIIKAWA-KUROKI SYNDROME; Kabuki make-up syndrome. Identifiers: Orphanet 2322, MedGen C0796004, MONDO:0016512.

Allele frequency attached by ClinVar (database versions not stated): gnomAD exomes below 0.00001.
gnomAD v4.1: 1 of 1,552,266 alleles (0.000064%); highest among the groups gnomAD compares: Non-Finnish European, 0.000087%; no homozygotes.

Submission:

Labcorp Genetics (formerly Invitae), Labcorp
Classification: Uncertain significance for Kabuki syndrome. Last evaluated: 2023-09-29. Review status: criteria provided, single submitter. Criteria: Invitae Variant Classification Sherloc (09022015). Collection method: clinical testing. Allele origin: germline.
Comment: In summary, the available evidence is currently insufficient to determine the role of this variant in disease. Therefore, it has been classified as a Variant of Uncertain Significance. Advanced modeling of protein sequence and biophysical properties (such as structural, functional, and spatial information, amino acid conservation, physicochemical variation, residue mobility, and thermodynamic stability) performed at Invitae indicates that this missense variant is not expected to disrupt KMT2D protein function. This variant has not been reported in the literature in individuals affected with KMT2D-related conditions. This variant is not present in population databases (gnomAD no frequency). This sequence change replaces glutamine, which is neutral and polar, with arginine, which is basic and polar, at codon 3968 of the KMT2D protein (p.Gln3968Arg).